The following is an entry in ClinVar:

NM_001231.5(CASQ1):c.427G>A (p.Glu143Lys)

Gene: CASQ1 (calsequestrin 1; plus strand). Cytogenetic location: 1q23.2.
Variant type: single nucleotide variant.
Coding change: c.427G>A on transcript NM_001231.5 (MANE Select); coding-DNA position 427, G replaced by A.
Protein change: p.Glu143Lys; replaces glutamic acid 143 with lysine.
Molecular consequence: missense variant.
Genome position (GRCh38, 1-based): chr1:160,193,809, G>A. VCF-style: chr1-160193809-G-A. GRCh37 (hg19) VCF-style: chr1-160163599-G-A.
Other names: short protein forms E143K.
Identifiers: ClinVar variation 1471973 (VCV001471973.6), dbSNP rs35232776, ClinGen allele CA1196181.

ClinVar aggregate classification (germline): Uncertain significance (1 of 4 stars; one submission).

Allele frequency attached by ClinVar (database versions not stated): gnomAD exomes below 0.00001; ExAC 0.00001; gnomAD 0.00001; TOPMed 0.00002.

Submission:

Labcorp Genetics (formerly Invitae), Labcorp
Classification: Uncertain significance. Last evaluated: 2024-05-22. Review status: criteria provided, single submitter. Criteria: Invitae Variant Classification Sherloc (09022015). Collection method: clinical testing. Allele origin: germline.
Comment: This sequence change replaces glutamic acid, which is acidic and polar, with lysine, which is basic and polar, at codon 143 of the CASQ1 protein (p.Glu143Lys). This variant is present in population databases (rs35232776, gnomAD 0.003%). This variant has not been reported in the literature in individuals affected with CASQ1-related conditions. ClinVar contains an entry for this variant (Variation ID: 1471973). Advanced modeling of protein sequence and biophysical properties (such as structural, functional, and spatial information, amino acid conservation, physicochemical variation, residue mobility, and thermodynamic stability) performed at Invitae indicates that this missense variant is not expected to disrupt CASQ1 protein function with a negative predictive value of 80%. In summary, the available evidence is currently insufficient to determine the role of this variant in disease. Therefore, it has been classified as a Variant of Uncertain Significance.